The following is an entry in ClinVar:

ClinVar aggregate classification (germline): Likely pathogenic (1 of 4 stars; one submission).

Conditions:
RYR1-related disorder. Also called: RYR1-related condition; RYR1-related disorders. Identifiers: MedGen CN239331.

Allele frequency attached by ClinVar (database versions not stated): gnomAD exomes below 0.00001.
gnomAD v4.1: 1 of 1,612,208 alleles (0.000062%); highest among the groups gnomAD compares: Non-Finnish European, 0.000085%; no homozygotes.

Submission:

Labcorp Genetics (formerly Invitae), Labcorp
Classification: Likely pathogenic for RYR1-related disorder. Last evaluated: 2023-02-26. Review status: criteria provided, single submitter. Criteria: Invitae Variant Classification Sherloc (09022015). Collection method: clinical testing. Allele origin: germline.
Comment: This sequence change replaces valine, which is neutral and non-polar, with alanine, which is neutral and non-polar, at codon 2117 of the RYR1 protein (p.Val2117Ala). This variant is not present in population databases (gnomAD no frequency). This variant has not been reported in the literature in individuals affected with RYR1-related conditions. Advanced modeling of protein sequence and biophysical properties (such as structural, functional, and spatial information, amino acid conservation, physicochemical variation, residue mobility, and thermodynamic stability) performed at Invitae indicates that this missense variant is expected to disrupt RYR1 protein function. This variant disrupts the p.Val2117 amino acid residue in RYR1. Other variant(s) that disrupt this residue have been determined to be pathogenic (PMID: 12709367). This suggests that this residue is clinically significant, and that variants that disrupt this residue are likely to be disease-causing. In summary, the currently available evidence indicates that the variant is pathogenic, but additional data are needed to prove that conclusively. Therefore, this variant has been classified as Likely Pathogenic.

Literature cited by the submitters: PubMed 12709367.

NM_000540.3(RYR1):c.6350T>C (p.Val2117Ala)

Gene: RYR1 (ryanodine receptor 1; plus strand). Cytogenetic location: 19q13.2.
Variant type: single nucleotide variant.
Coding change: c.6350T>C on transcript NM_000540.3 (MANE Select); coding-DNA position 6350, T replaced by C.
Protein change: p.Val2117Ala; replaces valine 2117 with alanine.
Molecular consequence: missense variant.
Genome position (GRCh38, 1-based): chr19:38,494,427, T>C. VCF-style: chr19-38494427-T-C. GRCh37 (hg19) VCF-style: chr19-38985067-T-C.
Other names: c.6350T>C, p.Val2117Ala (NM_001042723.2); short protein forms V2117A.
Identifiers: ClinVar variation 2904258 (VCV002904258.3), dbSNP rs2514274475, ClinGen allele CA405663635.